The following is an entry in ClinVar:

ClinVar aggregate classification (germline): Conflicting classifications of pathogenicity. Review status: criteria provided, conflicting classifications (1 of 4 stars). 10 submissions from 10 submitters: Pathogenic (1); Likely pathogenic (1); Uncertain significance (7). 1 of the submissions does not count toward it. Last evaluated 2026-05-04.

Conditions:
Renal carnitine transport defect (CDSP). Also called: Primary carnitine deficiency; Systemic primary carnitine deficiency disease; CARNITINE DEFICIENCY, SYSTEMIC, DUE TO DEFECT IN RENAL REABSORPTION OF CARNITINE; CARNITINE TRANSPORTER, PLASMA-MEMBRANE, DEFICIENCY OF; CARNITINE UPTAKE DEFECT; Systemic primary carnitine deficiency. Identifiers: Orphanet 158, MedGen C0342788, MONDO:0008919, OMIM 212140.

Allele frequency attached by ClinVar (database versions not stated): ExAC 0.00005; ESP Exome Variant Server 0.00008; gnomAD exomes 0.00014; TOPMed 0.00057; 1000 Genomes Project 0.00060; 1000 Genomes Project 30x 0.00078; gnomAD 0.00033 and 0.00035.
gnomAD v4.1: 153 of 1,614,272 alleles (0.0095%); highest among the groups gnomAD compares: Admixed American, 0.15%; 1 homozygote.

Submissions (10):

Women's Health and Genetics/Laboratory Corporation of America, LabCorp
Classification: Likely pathogenic for Renal carnitine transport defect. Last evaluated: 2026-05-04. Review status: criteria provided, single submitter. Criteria: LabCorp Variant Classification Summary - May 2015. Collection method: clinical testing. Allele origin: germline.
Comment: Variant summary: SLC22A5 c.605T>C (p.Leu202Pro) results in a non-conservative amino acid change located in the Major facilitator superfamily domain (IPR020846) of the encoded protein sequence. Algorithms developed to predict the effect of missense changes on protein structure and function all suggest that this variant is likely to be disruptive. The variant allele was found at a frequency of 0.00014 in 251492 control chromosomes in the gnomAD database, including 1 homozygote. This frequency is not significantly higher than estimated for disease-causing variants in SLC22A5, allowing no conclusion about variant significance. c.605T>C has been observed in the presumed or confirmed compound heterozygous state in at least 2 individual(s) affected with Systemic Primary Carnitine Deficiency (internal data). These data indicate that the variant may be associated with disease. At least one publication reports experimental evidence evaluating an impact on protein function. The most pronounced variant effect results in >50%-90% of normal activity in vitro (example, Koleske_2022). Internally validated machine learning-based Evidence Modeling of protein sequence and biophysical properties (such as structural, functional, and spatial information, amino acid conservation, physicochemical variation, residue mobility, and thermodynamic stability) indicates that this missense variant is expected to disrupt protein function with a positive predictive value of at least 95%. The following publication has been ascertained in the context of this evaluation (PMID: 36343260). ClinVar contains an entry for this variant (Variation ID: 460410). Based on the evidence outlined above, the variant was classified as likely pathogenic.

Labcorp Genetics (formerly Invitae), Labcorp
Classification: Pathogenic for Renal carnitine transport defect. Last evaluated: 2026-01-27. Review status: criteria provided, single submitter. Criteria: Invitae Variant Classification Sherloc (09022015). Collection method: clinical testing. Allele origin: germline.
Comment: This sequence change replaces leucine, which is neutral and non-polar, with proline, which is neutral and non-polar, at codon 202 of the SLC22A5 protein (p.Leu202Pro). This variant is present in population databases (rs142447950, gnomAD 0.07%). This missense change has been observed in individual(s) with clinical features of primary carnitine deficiency (internal data). In at least one individual the data is consistent with being in trans (on the opposite chromosome) from a pathogenic variant. ClinVar contains an entry for this variant (Variation ID: 460410). Invitae Evidence Modeling of protein sequence and biophysical properties (such as structural, functional, and spatial information, amino acid conservation, physicochemical variation, residue mobility, and thermodynamic stability) indicates that this missense variant is expected to disrupt SLC22A5 protein function with a positive predictive value of 95%. For these reasons, this variant has been classified as Pathogenic.

Dasa
Classification: Uncertain significance. Last evaluated: 2025-10-09. Review status: criteria provided, single submitter. Criteria: DASA Assertion Criteria. Collection method: clinical testing. Allele origin: germline.
Comment: NM_003060.4(SLC22A5):c.605T>C (p.Leu202Pro) is a missense variant that results in the substitution of leucine with proline. This variant is rare in population databases. Computational prediction algorithms are consistent with a deleterious effect. The currently available literature and clinical evidence are not sufficient to establish a definitive association between this variant and the reported condition. Therefore, this variant is classified as a variant of uncertain significance.

Mayo Clinic Laboratories, Mayo Clinic
Classification: Uncertain significance. Last evaluated: 2024-10-11. Review status: criteria provided, single submitter. Criteria: ACMG Guidelines, 2015. Collection method: clinical testing. Allele origin: germline. Observed: 2 variant alleles.
Comment: PP3

Department of Pathology and Laboratory Medicine, Sinai Health System
Classification: Uncertain significance for Renal carnitine transport defect. Last evaluated: 2023-07-04. Review status: criteria provided, single submitter. Criteria: ACMG Guidelines, 2015. Collection method: research. Allele origin: germline.

Giacomini Lab, University of California, San Francisco
Classification: Uncertain significance for Renal carnitine transport defect. Last evaluated: 2022-10-03. Review status: criteria provided, single submitter. Criteria: ACMG Guidelines, 2015. Collection method: research, in vitro. Allele origin: germline, not applicable.

Blueprint Genetics
Classification: Uncertain significance. Last evaluated: 2021-11-24. Review status: criteria provided, single submitter. Criteria: ACMG Guidelines, 2015. Collection method: clinical testing. Allele origin: germline.

Genome-Nilou Lab
Classification: Uncertain significance for Renal carnitine transport defect. Last evaluated: 2021-07-15. Review status: criteria provided, single submitter. Criteria: ACMG Guidelines, 2015. Collection method: clinical testing. Allele origin: germline. Affected: no.

Fulgent Genetics
Classification: Uncertain significance for Renal carnitine transport defect. Last evaluated: 2018-10-31. Review status: criteria provided, single submitter. Criteria: ACMG Guidelines, 2015. Collection method: clinical testing. Allele origin: unknown.

Natera, Inc.
Classification: Uncertain significance for Primary systemic carnitine deficiency. Last evaluated: 2020-05-01. Review status: no assertion criteria provided. Collection method: clinical testing. Allele origin: germline. Not counted in ClinVar's aggregate classification.

Literature cited by the submitters: PubMed 36343260 (cited by Women's Health and Genetics/Laboratory Corporation of America, LabCorp).

NM_003060.4(SLC22A5):c.605T>C (p.Leu202Pro)

Gene: SLC22A5 (solute carrier family 22 member 5; plus strand). Cytogenetic location: 5q31.1.
Variant type: single nucleotide variant.
Coding change: c.605T>C on transcript NM_003060.4 (MANE Select); coding-DNA position 605, T replaced by C.
Protein change: p.Leu202Pro; replaces leucine 202 with proline.
Molecular consequence: missense variant.
Genome position (GRCh38, 1-based): chr5:132,384,254, T>C. VCF-style: chr5-132384254-T-C. GRCh37 (hg19) VCF-style: chr5-131719946-T-C.
Other names: p.Leu202Pro; c.677T>C, p.Leu226Pro (NM_001308122.2); short protein forms L202P, L226P.
Identifiers: ClinVar variation 460410 (VCV000460410.25), dbSNP rs142447950, ClinGen allele CA3403931.
Genomic context (GRCh38, chr5:132,384,254, plus strand): 5'-GCTTCAGCTTCCTGCAGATCTTCTCGAAGAATTTTGAGATGTTTGTCGTGCTGTTTGTCC[T>C]TGTAGGCATGGGCCAGATCTCCAACTATGTGGCAGCATTTGTCCTGGGTATGGCCATCAG-3'
Protein context (NP_003051.1, residues 192-212): NFEMFVVLFV[Leu202Pro]VGMGQISNYV